The following is an entry in ClinVar:

ClinVar aggregate classification (germline): Likely benign (1 of 4 stars; one submission).

Conditions:
ARR3-related disorder. Also called: ARR3-related condition.

Submission:

PreventionGenetics, part of Exact Sciences
Classification: Likely benign for ARR3-related condition. Last evaluated: 2025-08-22. Review status: criteria provided, single submitter. Criteria: ACMG Guidelines, 2015. Collection method: clinical testing. Allele origin: germline.
Comment: This variant is classified as likely benign based on ACMG/AMP sequence variant interpretation guidelines (Richards et al. 2015 PMID: 25741868, with internal and published modifications).

NM_004312.3(ARR3):c.346-5C>G

Gene: ARR3 (arrestin 3; plus strand). Cytogenetic location: Xq13.1.
Variant type: single nucleotide variant.
Coding change: c.346-5C>G on transcript NM_004312.3 (MANE Select); 5 bases into the intron before coding-DNA position 346, C replaced by G.
Molecular consequence: intron variant.
Genome position (GRCh38, 1-based): chrX:70,276,428, C>G. VCF-style: chrX-70276428-C-G. GRCh37 (hg19) VCF-style: chrX-69496278-C-G.
Identifiers: ClinVar variation 4991525 (VCV004991525.1).